The following is an entry in ClinVar:

ClinVar aggregate classification (germline): Uncertain significance (1 of 4 stars; one submission).

Allele frequency attached by ClinVar (database versions not stated): gnomAD exomes below 0.00001.

Submission:

Labcorp Genetics (formerly Invitae), Labcorp
Classification: Uncertain significance. Last evaluated: 2022-08-31. Review status: criteria provided, single submitter. Criteria: Invitae Variant Classification Sherloc (09022015). Collection method: clinical testing. Allele origin: germline.
Comment: In summary, the available evidence is currently insufficient to determine the role of this variant in disease. Therefore, it has been classified as a Variant of Uncertain Significance. Algorithms developed to predict the effect of missense changes on protein structure and function are either unavailable or do not agree on the potential impact of this missense change (SIFT: "Deleterious"; PolyPhen-2: "Probably Damaging"; Align-GVGD: "Class C0"). This variant has not been reported in the literature in individuals affected with CRAT-related conditions. This variant is present in population databases (no rsID available, gnomAD 0.003%). This sequence change replaces lysine, which is basic and polar, with glutamic acid, which is acidic and polar, at codon 325 of the CRAT protein (p.Lys325Glu).

NM_000755.5(CRAT):c.973A>G (p.Lys325Glu)

Gene: CRAT (carnitine O-acetyltransferase; minus strand). Cytogenetic location: 9q34.11.
Variant type: single nucleotide variant.
Coding change: c.973A>G on transcript NM_000755.5 (MANE Select); coding-DNA position 973, A replaced by G.
Protein change: p.Lys325Glu; replaces lysine 325 with glutamic acid.
Molecular consequence: missense variant.
Genome position (GRCh38, 1-based): chr9:129,100,522, T>C on the plus strand (A>G on the coding strand, the complement: CRAT is on the minus strand). VCF-style: chr9-129100522-T-C. GRCh37 (hg19) VCF-style: chr9-131862801-T-C.
Other names: c.910A>G, p.Lys304Glu (NM_001257363.3, NM_001346548.2, NM_004003.4); c.976A>G, p.Lys326Glu (NM_001346546.2); c.973A>G, p.Lys325Glu (NM_001346547.2); c.853A>G, p.Lys285Glu (NM_001346549.2); short protein forms K325E, K285E, K326E, K304E.
Identifiers: ClinVar variation 2003985 (VCV002003985.4), dbSNP rs1195501046, ClinGen allele CA375094153.